The following is an entry in ClinVar:

ClinVar aggregate classification (germline): Uncertain significance. Review status: criteria provided, multiple submitters, no conflicts (2 of 4 stars). 2 submissions from 2 submitters: Uncertain significance (2). Last evaluated 2025-08-23.

Conditions:
Combined oxidative phosphorylation defect type 27. Also called: Combined oxidative phosphorylation deficiency 27. Identifiers: Orphanet 477774, MedGen C5567608, MONDO:0014728, OMIM 616672.
Inborn genetic diseases. Identifiers: MedGen C0950123, MeSH D030342.

gnomAD v4.1: 21 of 1,408,312 alleles (0.0015%); highest among the groups gnomAD compares: East Asian, 0.055%; no homozygotes.

Submissions (2):

Ambry Genetics
Classification: Uncertain significance for Inborn genetic diseases. Last evaluated: 2025-08-23. Review status: criteria provided, single submitter. Criteria: Ambry Variant Classification Scheme 2023. Collection method: clinical testing. Allele origin: germline.

Labcorp Genetics (formerly Invitae), Labcorp
Classification: Uncertain significance for Combined oxidative phosphorylation defect type 27. Last evaluated: 2024-12-12. Review status: criteria provided, single submitter. Criteria: Invitae Variant Classification Sherloc (09022015). Collection method: clinical testing. Allele origin: germline.
Comment: This sequence change replaces glycine, which is neutral and non-polar, with glutamic acid, which is acidic and polar, at codon 22 of the CARS2 protein (p.Gly22Glu). This variant is not present in population databases (gnomAD no frequency). This variant has not been reported in the literature in individuals affected with CARS2-related conditions. Experimental studies and prediction algorithms are not available or were not evaluated, and the functional significance of this variant is currently unknown. In summary, the available evidence is currently insufficient to determine the role of this variant in disease. Therefore, it has been classified as a Variant of Uncertain Significance.

NM_024537.4(CARS2):c.65G>A (p.Gly22Glu)

Genes: CARS2 (cysteinyl-tRNA synthetase 2, mitochondrial; minus strand), LOC130010127 (ATAC-STARR-seq lymphoblastoid silent region 5509; plus strand). Cytogenetic location: 13q34.
Variant type: single nucleotide variant.
Coding change: c.65G>A on transcript NM_024537.4 (MANE Select); coding-DNA position 65, G replaced by A.
Protein change: p.Gly22Glu; replaces glycine 22 with glutamic acid.
Molecular consequence: missense variant. On other transcripts: non-coding transcript variant (1), intron variant (1).
Genome position (GRCh38, 1-based): chr13:110,706,029, C>T on the plus strand (G>A on the coding strand, the complement: CARS2 is on the minus strand). VCF-style: chr13-110706029-C-T. GRCh37 (hg19) VCF-style: chr13-111358376-C-T.
Other names: c.65G>A (NM_024537.2); c.65G>A, p.Gly22Glu (NM_001352253.3); c.-776+342G>A (NM_001352252.2); short protein forms G22E.
Identifiers: ClinVar variation 3624356 (VCV003624356.3).